The following is an entry in ClinVar:

ClinVar aggregate classification (germline): Uncertain significance (0 of 4 stars; one submission).

Allele frequency attached by ClinVar (database versions not stated): gnomAD 0.00001 and 0.00002; gnomAD exomes 0.00001 and 0.00002; TOPMed 0.00001.

Submission:

Department of Pathology and Laboratory Medicine, Sinai Health System
Classification: Uncertain significance. Review status: no assertion criteria provided. Collection method: clinical testing. Allele origin: unknown. Affected: yes. Study: The Canadian Open Genetics Repository (COGR).
Comment: The COL8A2 p.Val561Leu variant was not identified in the literature nor was it identified in ClinVar or LOVD 3.0. The variant was identified in dbSNP (ID: rs928614322) and in control databases in 3 of 251258 chromosomes at a frequency of 0.00001194 (Genome Aggregation Database March 6, 2019, v2.1.1). The variant was observed in the following populations: Other in 1 of 6132 chromosomes (freq: 0.000163), African in 1 of 16240 chromosomes (freq: 0.000062) and European (non-Finnish) in 1 of 113630 chromosomes (freq: 0.000009), but was not observed in the Latino, Ashkenazi Jewish, East Asian, European (Finnish), or South Asian populations. The p.Val561 residue is conserved in mammals and computational analyses (PolyPhen-2, SIFT, AlignGVGD, BLOSUM, MutationTaster) do not suggest a high likelihood of impact to the protein; this information is not very predictive of pathogenicity. The variant occurs outside of the splicing consensus sequence and 1 of 4 in silico or computational prediction software programs (SpliceSiteFinder, MaxEntScan, NNSPLICE, GeneSplicer) predict a greater than 10% difference in splicing; this is not very predictive of pathogenicity. In summary, based on the above information the clinical significance of this variant cannot be determined with certainty at this time. This variant is classified as a variant of uncertain significance.

NM_005202.4(COL8A2):c.1876G>T (p.Val626Leu)

Gene: COL8A2 (collagen type VIII alpha 2 chain; minus strand). Cytogenetic location: 1p34.3.
Variant type: single nucleotide variant.
Coding change: c.1876G>T on transcript NM_005202.4 (MANE Select); coding-DNA position 1876, G replaced by T.
Protein change: p.Val626Leu; replaces valine 626 with leucine.
Molecular consequence: missense variant.
Genome position (GRCh38, 1-based): chr1:36,097,805, C>A on the plus strand (G>T on the coding strand, the complement: COL8A2 is on the minus strand). VCF-style: chr1-36097805-C-A. GRCh37 (hg19) VCF-style: chr1-36563406-C-A.
Other names: c.1681G>T, p.Val561Leu (NM_001294347.2); short protein forms V561L, V626L.
Identifiers: ClinVar variation 1048810 (VCV001048810.1), dbSNP rs928614322, ClinGen allele CA20704274.
Genomic context (GRCh38, chr1:36,097,805, plus strand): 5'-AGGTGGCCGGCACGTTGTTCTTGTACAGGGCCACCCACACGTTGGTGCCCTTGACGTGCA[C>A]ATGGTAAGCAAAGTAGTAGACGCCGCCCACAGGGCAGGTGAAGATGCCAGTGGCTGGGTT-3'
Protein context (NP_005193.1, residues 616-636): VGGVYYFAYH[Val626Leu]HVKGTNVWVA